The following is an entry in ClinVar:

NM_001374828.1(ARID1B):c.1628_1642del (p.Ala543_Ala547del)

Gene: ARID1B (AT-rich interaction domain 1B; plus strand). Cytogenetic location: 6q25.3.
Variant type: Deletion.
Coding change: c.1628_1642del on transcript NM_001374828.1 (MANE Select); coding-DNA positions 1628 to 1642, 15 bases deleted (CGGGGGCGGCGGCGG).
Protein change: p.Ala543_Ala547del.
Molecular consequence: inframe deletion. On other transcripts: inframe indel (3).
Genome position (GRCh38, 1-based): chr6:156,779,308-156,779,322, CGGGGGCGGCGGCGG deleted; deleting any 15 consecutive bases within chr6:156,779,297-156,779,322 gives the same sequence; the c. name uses the placement nearest the transcript's 3' end. VCF-style (leftmost placement, unchanged base first): chr6-156779296-AGGCGGCGGCGGCGGG-A. GRCh37 (hg19) VCF-style: chr6-157100430-AGGCGGCGGCGGCGGG-A.
Other names: c.1379_1393delCGGGGGCGGCGGCGG, p.Ala460_Ala464del (NM_001346813.1, NM_020732.3); c.1628_1642del, p.Ala543_Ala547del (NM_001371656.1, NM_001374820.1, NM_017519.3); c.1205_1219delCGGGGGCGGCGGCGG, p.Ala402_Ala406del (NM_175863.2).
Identifiers: ClinVar variation 3250861 (VCV003250861.18), dbSNP rs1779002290.

ClinVar aggregate classification (germline): Likely benign (1 of 4 stars; one submission).

Submission:

CeGaT Center for Human Genetics Tuebingen
Classification: Likely benign. Last evaluated: 2024-06-01. Review status: criteria provided, single submitter. Criteria: CeGaT Center For Human Genetics Tuebingen Variant Classification Criteria Version 2. Collection method: clinical testing. Allele origin: germline. Affected: yes. Observed: 1 variant allele.
Comment: ARID1B: BP3, BS2